The following is an entry in ClinVar:

ClinVar aggregate classification (germline): Uncertain significance (1 of 4 stars; one submission).

Allele frequency attached by ClinVar (database versions not stated): TOPMed 0.00006; gnomAD exomes 0.00001; ExAC 0.00002; gnomAD 0.00003 and 0.00004; ESP Exome Variant Server 0.00008.

Submission:

Labcorp Genetics (formerly Invitae), Labcorp
Classification: Uncertain significance. Last evaluated: 2023-10-18. Review status: criteria provided, single submitter. Criteria: Invitae Variant Classification Sherloc (09022015). Collection method: clinical testing. Allele origin: germline.
Comment: This sequence change replaces glutamic acid, which is acidic and polar, with aspartic acid, which is acidic and polar, at codon 363 of the PLOD3 protein (p.Glu363Asp). This variant is present in population databases (rs372042667, gnomAD 0.02%). This variant has not been reported in the literature in individuals affected with PLOD3-related conditions. ClinVar contains an entry for this variant (Variation ID: 1349689). An algorithm developed to predict the effect of missense changes on protein structure and function (PolyPhen-2) suggests that this variant¬†is likely to be tolerated. In summary, the available evidence is currently insufficient to determine the role of this variant in disease. Therefore, it has been classified as a Variant of Uncertain Significance.

NM_001084.5(PLOD3):c.1089G>T (p.Glu363Asp)

Gene: PLOD3 (procollagen-lysine,2-oxoglutarate 5-dioxygenase 3; minus strand). Cytogenetic location: 7q22.1.
Variant type: single nucleotide variant.
Coding change: c.1089G>T on transcript NM_001084.5 (MANE Select); coding-DNA position 1089, G replaced by T.
Protein change: p.Glu363Asp; replaces glutamic acid 363 with aspartic acid.
Molecular consequence: missense variant.
Genome position (GRCh38, 1-based): chr7:101,212,291, C>A on the plus strand (G>T on the coding strand, the complement: PLOD3 is on the minus strand). VCF-style: chr7-101212291-C-A. GRCh37 (hg19) VCF-style: chr7-100855572-C-A.
Other names: short protein forms E363D.
Identifiers: ClinVar variation 1349689 (VCV001349689.6), dbSNP rs372042667, ClinGen allele CA4407856.
Genomic context (GRCh38, chr7:101,212,291, plus strand): 5'-CTCCCCGCAAGCACCCGCTCACATGGCCATGTCCCTGGCCTCGCCTGGGCTCAGAGCCTC[C>A]TCCGGCCCCACGAGCTTCACAGCTGAGAAGTGGTCCTGGAGCTGCGGCCAGGAGTCAGCG-3'
Protein context (NP_001075.1, residues 353-373): HFSAVKLVGP[Glu363Asp]EALSPGEARD